The following is an entry in ClinVar:

ClinVar aggregate classification (germline): Uncertain significance. Review status: criteria provided, multiple submitters, no conflicts (2 of 4 stars). 3 submissions from 3 submitters: Uncertain significance (3). Last evaluated 2025-10-05.

Conditions:
Developmental and epileptic encephalopathy, 9 (DEE9). Also called: JUBERG-HELLMAN SYNDROME; PCDH19-Related X-Linked Female-Limited Epilepsy with Mental Retardation; Early infantile epileptic encephalopathy 9; EPILEPSY, FEMALE-RESTRICTED, WITH MENTAL RETARDATION. Identifiers: Orphanet 101039, Orphanet 2076, MedGen C1848137, MONDO:0010246, OMIM 300088. Disease mechanism: loss of function.

Allele frequency attached by ClinVar (database versions not stated): TOPMed below 0.00001; gnomAD 0.00001; gnomAD exomes 0.00002.
gnomAD v4.1: 28 of 1,210,722 alleles (0.0023%); highest among the groups gnomAD compares: Non-Finnish European, 0.0027%; no homozygotes.

Submissions (3):

Labcorp Genetics (formerly Invitae), Labcorp
Classification: Uncertain significance for Developmental and epileptic encephalopathy, 9. Last evaluated: 2025-10-05. Review status: criteria provided, single submitter. Criteria: Invitae Variant Classification Sherloc (09022015). Collection method: clinical testing. Allele origin: germline.
Comment: This sequence change replaces asparagine, which is neutral and polar, with serine, which is neutral and polar, at codon 381 of the PCDH19 protein (p.Asn381Ser). This variant is not present in population databases (gnomAD no frequency). This missense change has been observed in individual(s) with clinical features of PCDH19-related conditions (PMID: 31319225, 31714027). ClinVar contains an entry for this variant (Variation ID: 635312). Invitae Evidence Modeling of protein sequence and biophysical properties (such as structural, functional, and spatial information, amino acid conservation, physicochemical variation, residue mobility, and thermodynamic stability) indicates that this missense variant is expected to disrupt PCDH19 protein function with a positive predictive value of 95%. In summary, the available evidence is currently insufficient to determine the role of this variant in disease. Therefore, it has been classified as a Variant of Uncertain Significance.

MGZ Medical Genetics Center
Classification: Uncertain significance for Developmental and epileptic encephalopathy, 9. Last evaluated: 2022-04-26. Review status: criteria provided, single submitter. Criteria: ACMG Guidelines, 2015. Collection method: clinical testing. Allele origin: germline. Affected: yes. Observed: 1 variant allele.
Comment: ACMG criteria applied: PS4_MOD, PM2_SUP, PP2, PP3

Ege University Pediatric Genetics, Ege University
Classification: Uncertain significance for Epileptic encephalopathy, early infantile, 9. Last evaluated: 2019-05-15. Review status: criteria provided, single submitter. Criteria: ACMG Guidelines, 2015. Collection method: clinical testing. Allele origin: germline. Affected: yes.

Literature cited by the submitters: PubMed 31319225 (cited by Labcorp Genetics (formerly Invitae), Labcorp and Ege University Pediatric Genetics, Ege University); PubMed 31714027 (cited by Labcorp Genetics (formerly Invitae), Labcorp).

NM_001184880.2(PCDH19):c.1142A>G (p.Asn381Ser)

Gene: PCDH19 (protocadherin 19; minus strand). Cytogenetic location: Xq22.1.
Variant type: single nucleotide variant.
Coding change: c.1142A>G on transcript NM_001184880.2 (MANE Select); coding-DNA position 1142, A replaced by G.
Protein change: p.Asn381Ser; replaces asparagine 381 with serine.
Molecular consequence: missense variant.
Genome position (GRCh38, 1-based): chrX:100,407,456, T>C on the plus strand (A>G on the coding strand, the complement: PCDH19 is on the minus strand). VCF-style: chrX-100407456-T-C. GRCh37 (hg19) VCF-style: chrX-99662454-T-C.
Other names: c.1142A>G, p.Asn381Ser (NM_001105243.2, NM_020766.3); short protein forms N381S.
Identifiers: ClinVar variation 635312 (VCV000635312.8), dbSNP rs1318908420, ClinGen allele CA414004008.